The following is an entry in ClinVar:

NM_000038.6(APC):c.2362A>T (p.Lys788Ter)

Gene: APC (APC regulator of Wnt signaling pathway; plus strand). Cytogenetic location: 5q22.2.
Variant type: single nucleotide variant.
Coding change: c.2362A>T on transcript NM_000038.6 (MANE Select); coding-DNA position 2362, A replaced by T.
Protein change: p.Lys788Ter; replaces lysine 788 with a stop codon.
Molecular consequence: nonsense. On other transcripts: non-coding transcript variant (2).
Genome position (GRCh38, 1-based): chr5:112,837,956, A>T. VCF-style: chr5-112837956-A-T. GRCh37 (hg19) VCF-style: chr5-112173653-A-T.
Other names: c.2362A>T, p.Lys788Ter (NM_001127510.3, NM_001354895.2, NM_001407450.1); c.2308A>T, p.Lys770Ter (NM_001127511.3); c.2416A>T, p.Lys806Ter (NM_001354896.2, NM_001407447.1, NM_001407448.1 and 1 more transcripts); c.2392A>T, p.Lys798Ter (NM_001354897.2); c.2287A>T, p.Lys763Ter (NM_001354898.2); c.2278A>T, p.Lys760Ter (NM_001354899.2); c.2239A>T, p.Lys747Ter (NM_001354900.2); c.2185A>T, p.Lys729Ter (NM_001354901.2, NM_001407453.1); and 11 more; short protein forms K404*, K505*, K628*, K659*, K662*, K687*, K697*, K705*.
Identifiers: ClinVar variation 2583396 (VCV002583396.2), dbSNP rs1765163287, ClinGen allele CA16026517.

ClinVar aggregate classification (germline): Pathogenic (1 of 4 stars; one submission).

Conditions:
Familial adenomatous polyposis 1 (FAP1). Also called: POLYPOSIS, ADENOMATOUS INTESTINAL; FAMILIAL ADENOMATOUS POLYPOSIS 1, ATTENUATED. Identifiers: MedGen C2713442, MONDO:0021056, OMIM 175100. Disease mechanism: loss of function.

Submission:

Myriad Genetics, Inc.
Classification: Pathogenic for Familial adenomatous polyposis 1. Last evaluated: 2023-05-04. Review status: criteria provided, single submitter. Criteria: Myriad Autosomal Dominant, Autosomal Recessive and X-Linked Classification Criteria (2023). Collection method: clinical testing. Allele origin: unknown.
Comment: This variant is considered pathogenic. This variant creates a termination codon and is predicted to result in premature protein truncation.